The following is an entry in ClinVar:

NM_000426.4(LAMA2):c.414T>G (p.Tyr138Ter)

Gene: LAMA2 (laminin subunit alpha 2; plus strand). Cytogenetic location: 6q22.33.
Variant type: single nucleotide variant.
Coding change: c.414T>G on transcript NM_000426.4 (MANE Select); coding-DNA position 414, T replaced by G.
Protein change: p.Tyr138Ter; replaces tyrosine 138 with a stop codon.
Molecular consequence: nonsense.
Genome position (GRCh38, 1-based): chr6:129,098,190, T>G. VCF-style: chr6-129098190-T-G. GRCh37 (hg19) VCF-style: chr6-129419335-T-G.
Other names: c.414T>G, p.Tyr138Ter (NM_001079823.2); short protein forms Y138*.
Identifiers: ClinVar variation 1459707 (VCV001459707.6), dbSNP rs2114873123, ClinGen allele CA365829079.
Genomic context (GRCh38, chr6:129,098,190, plus strand): 5'-TATTTGGGAATTCAATGTTATTGTTGTTGTTATACTTCCCTAGGTGTTCCAGATCGCGTA[T>G]GTGATTGTGAAGGCAGCTAACTCCCCCCGGCCTGGAAACTGGATTTTGGAACGCTCTCTT-3'

ClinVar aggregate classification (germline): Pathogenic (1 of 4 stars; one submission).

Conditions:
LAMA2-related muscular dystrophy (LAMA2-RD). Also called: Laminin alpha 2-related dystrophy. Identifiers: MedGen C5679788, MONDO:0100228.

Submission:

Labcorp Genetics (formerly Invitae), Labcorp
Classification: Pathogenic for LAMA2-related muscular dystrophy. Last evaluated: 2020-10-31. Review status: criteria provided, single submitter. Criteria: Invitae Variant Classification Sherloc (09022015). Collection method: clinical testing. Allele origin: germline.
Comment: For these reasons, this variant has been classified as Pathogenic. This variant has not been reported in the literature in individuals with LAMA2-related conditions. This variant is not present in population databases (ExAC no frequency). This sequence change creates a premature translational stop signal (p.Tyr138*) in the LAMA2 gene. It is expected to result in an absent or disrupted protein product. Loss-of-function variants in LAMA2 are known to be pathogenic (PMID: 18700894).

Literature cited by the submitters: PubMed 18700894.